The following is an entry in ClinVar:

ClinVar aggregate classification (germline): Uncertain significance (1 of 4 stars; one submission).

Conditions:
Inflammatory bowel disease 1 (IBD1). Also called: Inflammatory bowel disease 1, Crohn disease; INFLAMMATORY BOWEL DISEASE (CROHN DISEASE) 1. Identifiers: MedGen CN260071, MONDO:0009960, OMIM 266600.
Blau syndrome (BLAUS). Also called: ARTHROCUTANEOUVEAL GRANULOMATOSIS; JABS SYNDROME; GRANULOMATOSIS, FAMILIAL JUVENILE SYSTEMIC; GRANULOMATOSIS, FAMILIAL, BLAU TYPE; GRANULOMATOUS INFLAMMATORY ARTHRITIS, DERMATITIS, AND UVEITIS, FAMILIAL. Identifiers: Orphanet 90340, MedGen C5201146, MONDO:0008523, OMIM 186580.
Yao syndrome. Also called: Susceptibility to Yao syndrome. Identifiers: MedGen C4310620, MONDO:0015019, OMIM 617321.

Submission:

Center for Genomics, Ann and Robert H. Lurie Children's Hospital of Chicago
Classification: Uncertain significance for Blau syndrome; Yao syndrome; Inflammatory bowel disease 1. Review status: criteria provided, single submitter. Criteria: ACMG Guidelines, 2015. Collection method: clinical testing. Allele origin: germline.
Comment: NOD2 NM_022162.2 exon 4 p.Pro537His (c.1610C>A): This variant has not been reported in the literature and is not present in large control databases. Evolutionary conservation and computational predictive tools for this variant are unclear. In summary, data on this variant is insufficient for disease classification. Therefore, the clinical significance of this variant is uncertain.

NM_001370466.1(NOD2):c.1529C>A (p.Pro510His)

Gene: NOD2 (nucleotide binding oligomerization domain containing 2; plus strand). Cytogenetic location: 16q12.1.
Variant type: single nucleotide variant.
Coding change: c.1529C>A on transcript NM_001370466.1 (MANE Select); coding-DNA position 1529, C replaced by A.
Protein change: p.Pro510His; replaces proline 510 with histidine.
Molecular consequence: missense variant. On other transcripts: non-coding transcript variant (1).
Genome position (GRCh38, 1-based): chr16:50,711,521, C>A. VCF-style: chr16-50711521-C-A. GRCh37 (hg19) VCF-style: chr16-50745432-C-A.
Other names: c.1529C>A, p.Pro510His (NM_001293557.2); c.1610C>A, p.Pro537His (NM_022162.3); short protein forms P537H, P510H.
Identifiers: ClinVar variation 625983 (VCV000625983.3), dbSNP rs1567392735, ClinGen allele CA395869267.